The following is an entry in ClinVar:

NM_003072.5(SMARCA4):c.4182G>T (p.Glu1394Asp)

Gene: SMARCA4 (SWI/SNF related BAF chromatin remodeling complex subunit ATPase 4; plus strand). Cytogenetic location: 19p13.2.
Variant type: single nucleotide variant.
Coding change: c.4182G>T on transcript NM_003072.5 (MANE Select); coding-DNA position 4182, G replaced by T.
Protein change: p.Glu1394Asp; replaces glutamic acid 1394 with aspartic acid.
Molecular consequence: missense variant. On other transcripts: non-coding transcript variant (1).
Genome position (GRCh38, 1-based): chr19:11,041,318, G>T. VCF-style: chr19-11041318-G-T. GRCh37 (hg19) VCF-style: chr19-11151994-G-T.
Other names: c.4182G>T, p.Glu1394Asp (NM_001128844.3); c.4092G>T, p.Glu1364Asp (NM_001128845.2, NM_001128846.2); c.4083G>T, p.Glu1361Asp (NM_001128847.4, NM_001128848.2, NM_001374457.1); c.4278G>T, p.Glu1426Asp (NM_001128849.3, NM_001387283.1); c.4179G>T, p.Glu1393Asp (NM_001411150.1); short protein forms E1364D, E1393D, E1426D, E1361D, E1394D.
Identifiers: ClinVar variation 3958425 (VCV003958425.1).
Genomic context (GRCh38, chr19:11,041,318, plus strand): 5'-TGTCGACCTGGGTGCTGGCTGTCCTATTTTACTACTATTGACCCTGAAGGCCATCGAGGA[G>T]GGCACGCTGGAGGAGATCGAAGAGGAGGTCCGGCAGAAGAAATCATCACGGAAGCGCAAG-3'
Protein context (NP_003063.2, residues 1384-1404): TEKQWLKAIE[Glu1394Asp]GTLEEIEEEV

ClinVar aggregate classification (germline): Uncertain significance (1 of 4 stars; one submission).

Conditions:
Hereditary cancer-predisposing syndrome. Also called: Tumor predisposition; Hereditary neoplastic syndrome; Hereditary Cancer Syndrome; Neoplastic Syndromes, Hereditary. Identifiers: Orphanet 140162, MedGen C0027672, MeSH D009386, MONDO:0015356.

Submission:

Ambry Genetics
Classification: Uncertain significance for Hereditary cancer-predisposing syndrome. Last evaluated: 2025-03-25. Review status: criteria provided, single submitter. Criteria: Ambry Variant Classification Scheme 2023. Collection method: clinical testing. Allele origin: germline.
Comment: The p.E1426D variant (also known as c.4278G>T), located in coding exon 30 of the SMARCA4 gene, results from a G to T substitution at nucleotide position 4278. The glutamic acid at codon 1426 is replaced by aspartic acid, an amino acid with highly similar properties. This amino acid position is conserved. In addition, this alteration is predicted to be tolerated by in silico analysis. Based on the available evidence, the clinical significance of this variant remains unclear.